The following is an entry in ClinVar:

ClinVar aggregate classification (germline): Uncertain significance (1 of 4 stars; one submission).

Conditions:
Allan-Herndon-Dudley syndrome (AHDS). Also called: ALLAN-HERNDON SYNDROME; MENTAL RETARDATION AND MUSCULAR ATROPHY; T3 RESISTANCE; TRIIODOTHYRONINE RESISTANCE; Passos-Bueno syndrome. Identifiers: Orphanet 59, MedGen C0795889, MONDO:0010354, OMIM 300523.

Submission:

Systems Biology Laboratory, Department of Convergent Bioscience and Informatics, Chungnam National University
Classification: Uncertain significance for Allan-Herndon-Dudley syndrome. Last evaluated: 2026-10-01. Review status: criteria provided, single submitter. Criteria: ACMG Guidelines, 2015. Collection method: research. Allele origin: maternal. Inheritance: X-linked recessive inheritance. Affected: yes. Observed: 2 variant alleles, 2 hemizygotes. Clinical features observed: Intellectual disability (HP:0001249), Seizure (HP:0001250), Global developmental delay (HP:0001263), Cataplexy (HP:0002524).
Comment: Hemizygous 2,876-bp deletion within intron 1 of SLC16A2 (NM_006517.5:c.430+38618_430+41493del) that does not remove coding sequence or canonical splice sites; PVS1 not applicable. Maternally inherited in two affected brothers with a phenotype consistent with Allan-Herndon-Dudley syndrome; the same family and deletion were previously reported from short-read and HiFi data with Sanger-defined breakpoints chrX:74,460,691-74,463,566 (PMID:40033291). The breakpoints given here were resolved from the haplotype-resolved long-read assembly; the two descriptions differ by two nucleotides within the approximately 300-bp Alu homology at the junction. No functional evidence of loss of function; classified as a variant of uncertain significance.

Literature cited by the submitters: PubMed 40033291.

NM_006517.5(SLC16A2):c.430+38618_430+41493del

Gene: SLC16A2 (solute carrier family 16 member 2; plus strand). Cytogenetic location: Xq13.2.
Variant type: Deletion.
Coding change: c.430+38618_430+41493del on transcript NM_006517.5 (MANE Select); bases 38618 to 41493 of the intron after coding-DNA position 430, 2,876 bases deleted.
Molecular consequence: intron variant.
Genome position (GRCh38, 1-based): chrX:74,460,685-74,463,560, 2,876 bases deleted. GRCh37 (hg19): chrX:73,680,520-73,683,395.
Other names: NM_006517.5:c.430+38618_430+41493del.
Identifiers: ClinVar variation 5042734 (VCV005042734.1).